The following is an entry in ClinVar:

ClinVar aggregate classification (germline): Uncertain significance (1 of 4 stars; one submission).

Conditions:
Inborn genetic diseases. Identifiers: MedGen C0950123, MeSH D030342.

Submission:

Ambry Genetics
Classification: Uncertain significance for Inborn genetic diseases. Last evaluated: 2025-04-17. Review status: criteria provided, single submitter. Criteria: Ambry Variant Classification Scheme 2023. Collection method: clinical testing. Allele origin: germline.
Comment: The p.G336R variant (also known as c.1006G>A), located in coding exon 11 of the RTEL1 gene, results from a G to A substitution at nucleotide position 1006. The glycine at codon 336 is replaced by arginine, an amino acid with dissimilar properties. This amino acid position is conserved. In addition, the in silico prediction for this alteration is inconclusive. Based on the available evidence, the clinical significance of this variant remains unclear.

NM_001283009.2(RTEL1):c.1006G>A (p.Gly336Arg)

Genes: RTEL1 (regulator of telomere elongation helicase 1; plus strand), RTEL1-TNFRSF6B (RTEL1-TNFRSF6B readthrough (NMD candidate); plus strand). Cytogenetic location: 20q13.33.
Variant type: single nucleotide variant.
Coding change: c.1006G>A on transcript NM_001283009.2 (MANE Select); coding-DNA position 1006, G replaced by A.
Protein change: p.Gly336Arg; replaces glycine 336 with arginine.
Molecular consequence: missense variant. On other transcripts: non-coding transcript variant (1).
Genome position (GRCh38, 1-based): chr20:63,678,315, G>A. VCF-style: chr20-63678315-G-A. GRCh37 (hg19) VCF-style: chr20-62309668-G-A.
Other names: c.337G>A, p.Gly113Arg (NM_001283010.1); c.1006G>A, p.Gly336Arg (NM_016434.4); c.1078G>A, p.Gly360Arg (NM_032957.5); short protein forms G360R, G336R, G113R.
Identifiers: ClinVar variation 3948330 (VCV003948330.1).